The following is an entry in ClinVar:

NM_206943.4(LTBP1):c.4377T>G (p.Asp1459Glu)

Gene: LTBP1 (latent transforming growth factor beta binding protein 1; plus strand). Cytogenetic location: 2p22.3.
Variant type: single nucleotide variant.
Coding change: c.4377T>G on transcript NM_206943.4 (MANE Select); coding-DNA position 4377, T replaced by G.
Protein change: p.Asp1459Glu; replaces aspartic acid 1459 with glutamic acid.
Molecular consequence: missense variant.
Genome position (GRCh38, 1-based): chr2:33,363,496, T>G. VCF-style: chr2-33363496-T-G. GRCh37 (hg19) VCF-style: chr2-33588563-T-G.
Other names: c.3399T>G, p.Asp1133Glu (NM_000627.4); c.3273T>G, p.Asp1091Glu (NM_001166264.2, NM_001394909.1); c.3240T>G, p.Asp1080Glu (NM_001166265.2); c.3114T>G, p.Asp1038Glu (NM_001166266.2, NM_001394920.1); c.4218T>G, p.Asp1406Glu (NM_001394905.1); c.3396T>G, p.Asp1132Glu (NM_001394906.1); c.3312T>G, p.Asp1104Glu (NM_001394907.1); c.3279T>G, p.Asp1093Glu (NM_001394908.1); and 13 more; short protein forms D1037E, D1038E, D1042E, D1043E, D1049E, D1052E, D1063E, D1079E.
Identifiers: ClinVar variation 2571072 (VCV002571072.27), dbSNP rs1173932079, ClinGen allele CA346564735.

ClinVar aggregate classification (germline): Uncertain significance (1 of 4 stars; one submission).

Allele frequency attached by ClinVar (database versions not stated): TOPMed below 0.00001; gnomAD 0.00001.
gnomAD v4.1: 13 of 1,613,770 alleles (0.00081%); highest among the groups gnomAD compares: Non-Finnish European, 0.00059%; no homozygotes.

Submission:

CeGaT Center for Human Genetics Tuebingen
Classification: Uncertain significance. Last evaluated: 2023-04-01. Review status: criteria provided, single submitter. Criteria: CeGaT Center For Human Genetics Tuebingen Variant Classification Criteria Version 2. Collection method: clinical testing. Allele origin: germline. Affected: yes. Observed: 1 variant allele.
Comment: LTBP1: PM2:Supporting, PP3